The following is an entry in ClinVar:

NM_001348768.2(HECW2):c.4314A>G (p.Val1438=)

Gene: HECW2 (HECT, C2 and WW domain containing E3 ubiquitin protein ligase 2; minus strand). Cytogenetic location: 2q32.3.
Variant type: single nucleotide variant.
Coding change: c.4314A>G on transcript NM_001348768.2 (MANE Select); coding-DNA position 4314, A replaced by G.
Protein change: p.Val1438=; no amino-acid change (valine 1438 retained).
Molecular consequence: synonymous variant.
Genome position (GRCh38, 1-based): chr2:196,220,133, T>C on the plus strand (A>G on the coding strand, the complement: HECW2 is on the minus strand). VCF-style: chr2-196220133-T-C. GRCh37 (hg19) VCF-style: chr2-197084857-T-C.
Other names: c.3246A>G, p.Val1082= (NM_001304840.3); c.4314A>G, p.Val1438= (NM_020760.4).
Identifiers: ClinVar variation 2651781 (VCV002651781.24), dbSNP rs1559443725, ClinGen allele CA430521856.
Genomic context (GRCh38, chr2:196,220,133, plus strand): 5'-TAGGTCTATTTCAGCTGTGCCTGCGATGACCAATTCCAGTTCTCTTGCATCAAAAACAGA[T>C]ACCAGCCTGGCATCCACCACCTGTGGAATAAAAAGAGTACAAGGCATGGCTTAGGAGCCT-3'
Protein context (NP_001335697.1, residues 1428-1448): GFYEVVDARL[Val1438=]SVFDARELEL

ClinVar aggregate classification (germline): Likely benign (1 of 4 stars; one submission).

Allele frequency attached by ClinVar (database versions not stated): gnomAD exomes below 0.00001.
gnomAD v4.1: 6 of 1,612,922 alleles (0.00037%); highest among the groups gnomAD compares: Non-Finnish European, 0.00051%; no homozygotes.

Submission:

CeGaT Center for Human Genetics Tuebingen
Classification: Likely benign. Last evaluated: 2023-02-01. Review status: criteria provided, single submitter. Criteria: CeGaT Center For Human Genetics Tuebingen Variant Classification Criteria Version 2. Collection method: clinical testing. Allele origin: germline. Affected: yes. Observed: 2 variant alleles.
Comment: HECW2: BP4, BP7